The following is an entry in ClinVar:

ClinVar aggregate classification (germline): Likely benign. Review status: criteria provided, multiple submitters, no conflicts (2 of 4 stars). 4 submissions from 4 submitters: Likely benign (3). 1 of the submissions does not count toward it. Last evaluated 2024-11-19.

Conditions:
CLTCL1-related disorder. Also called: CLTCL1-related condition.

Allele frequency attached by ClinVar (database versions not stated): TOPMed 0.00177; gnomAD 0.00190 and 0.00188; gnomAD exomes 0.00304 and 0.00205; 1000 Genomes Project 0.00100; ExAC 0.00228; ESP Exome Variant Server 0.00267; 1000 Genomes Project 30x 0.00094.

Submissions (4):

Mayo Clinic Laboratories, Mayo Clinic
Classification: Likely benign. Last evaluated: 2024-11-19. Review status: criteria provided, single submitter. Criteria: ACMG Guidelines, 2015. Collection method: clinical testing. Allele origin: germline. Observed: 6 variant alleles.
Comment: BS1, BP4

Labcorp Genetics (formerly Invitae), Labcorp
Classification: Likely benign. Last evaluated: 2019-12-31. Review status: criteria provided, single submitter. Criteria: Invitae Variant Classification Sherloc (09022015). Collection method: clinical testing. Allele origin: germline.

Breakthrough Genomics
Classification: Likely benign. Review status: criteria provided, single submitter. Criteria: ACMG Guidelines, 2015. Collection method: not provided. Allele origin: germline. Inheritance: Unknown mechanism. Affected: yes.

PreventionGenetics, part of Exact Sciences
Classification: Likely benign for CLTCL1-related condition. Last evaluated: 2022-12-16. Review status: no assertion criteria provided. Collection method: clinical testing. Allele origin: germline. Not counted in ClinVar's aggregate classification.
Comment: This variant is classified as likely benign based on ACMG/AMP sequence variant interpretation guidelines (Richards et al. 2015 PMID: 25741868, with internal and published modifications).

NM_007098.4(CLTCL1):c.2239A>T (p.Ile747Leu)

Gene: CLTCL1 (clathrin heavy chain like 1; minus strand). Cytogenetic location: 22q11.21.
Variant type: single nucleotide variant.
Coding change: c.2239A>T on transcript NM_007098.4 (MANE Select); coding-DNA position 2239, A replaced by T.
Protein change: p.Ile747Leu; replaces isoleucine 747 with leucine.
Molecular consequence: missense variant.
Genome position (GRCh38, 1-based): chr22:19,223,944, T>A on the plus strand (A>T on the coding strand, the complement: CLTCL1 is on the minus strand). VCF-style: chr22-19223944-T-A. GRCh37 (hg19) VCF-style: chr22-19211467-T-A.
Other names: p.Ile747Leu; c.2239A>T, p.Ile747Leu (NM_001835.4); short protein forms I747L.
Identifiers: ClinVar variation 726220 (VCV000726220.8), dbSNP rs181639433, ClinGen allele CA10098436.